The following is an entry in ClinVar:

ClinVar aggregate classification (germline): Likely benign (0 of 4 stars; one submission).

Conditions:
DLAT-related disorder. Also called: DLAT-related condition.

gnomAD v4.1: 1 of 1,612,756 alleles (0.000062%); highest among the groups gnomAD compares: Non-Finnish European, 0.000085%; no homozygotes.

Submission:

PreventionGenetics, part of Exact Sciences
Classification: Likely benign for DLAT-related condition. Last evaluated: 2019-06-18. Review status: no assertion criteria provided. Collection method: clinical testing. Allele origin: germline.
Comment: This variant is classified as likely benign based on ACMG/AMP sequence variant interpretation guidelines (Richards et al. 2015 PMID: 25741868, with internal and published modifications).

NM_001931.5(DLAT):c.1677+9T>G

Genes: DLAT (dihydrolipoamide S-acetyltransferase; plus strand), PIH1D2 (PIH1 domain containing 2; minus strand). Cytogenetic location: 11q23.1.
Variant type: single nucleotide variant.
Coding change: c.1677+9T>G on transcript NM_001931.5 (MANE Select); 9 bases into the intron after coding-DNA position 1677, T replaced by G.
Molecular consequence: intron variant.
Genome position (GRCh38, 1-based): chr11:112,060,074, T>G. VCF-style: chr11-112060074-T-G. GRCh37 (hg19) VCF-style: chr11-111930798-T-G.
Other names: c.1215+9T>G (NM_001372042.1); c.1695+9T>G (NM_001372031.1); c.1656+9T>G (NM_001372033.1); c.1569+9T>G (NM_001372035.1); c.1671+9T>G (NM_001372032.1); c.1362+9T>G (NM_001372039.1); c.1254+9T>G (NM_001372041.1); c.1398+9T>G (NM_001372038.1); and 4 more.
Identifiers: ClinVar variation 3033454 (VCV003033454.2), dbSNP rs368477013, ClinGen allele CA2615979544.